The following is an entry in ClinVar:

ClinVar aggregate classification (germline): Likely pathogenic (1 of 4 stars; one submission).

Conditions:
Stuve-Wiedemann syndrome (STWS). Also called: Stüve-Wiedemann syndrome. Identifiers: Orphanet 3206, MedGen C0796176, MONDO:0031280.

Submission:

Natera, Inc.
Classification: Likely pathogenic for Stuve-Wiedemann syndrome. Last evaluated: 2024-08-08. Review status: criteria provided, single submitter. Criteria: Natera Variant Classification Schema (03/2026). Collection method: clinical testing. Allele origin: germline.
Comment: The c.258-2A>G variant in LIFR is a canonical splice acceptor site variant predicted to affect pre-mRNA splicing, which may result in an abnormal transcript and altered protein product. This variant is expected to result in nonsense mediated decay, truncation, or a dysfunctional protein product. This variant is rare in the general population with a frequency below the threshold expected for the associated phenotype(s). Given the available evidence, this variant is classified as Likely Pathogenic.

NM_001127671.2(LIFR):c.258-2A>G

Gene: LIFR (LIF receptor subunit alpha; minus strand). Cytogenetic location: 5p13.1.
Variant type: single nucleotide variant.
Coding change: c.258-2A>G on transcript NM_001127671.2 (MANE Select); the canonical splice acceptor site of the intron before coding-DNA position 258, A replaced by G.
Molecular consequence: splice acceptor variant.
Genome position (GRCh38, 1-based): chr5:38,527,296, T>C on the plus strand (A>G on the coding strand, the complement: LIFR is on the minus strand). VCF-style: chr5-38527296-T-C. GRCh37 (hg19) VCF-style: chr5-38527398-T-C.
Other names: c.258-2A>G (NM_002310.6, NM_001364298.2, NM_001364297.2).
Identifiers: ClinVar variation 4815025 (VCV004815025.1).